The following is an entry in ClinVar:

NM_005476.7(GNE):c.1546_1547del (p.Asp515_Asn516insTer)

Gene: GNE (glucosamine (UDP-N-acetyl)-2-epimerase/N-acetylmannosamine kinase; minus strand). Cytogenetic location: 9p13.3.
Variant type: Deletion.
Coding change: c.1546_1547del on transcript NM_005476.7 (MANE Select); coding-DNA positions 1546 to 1547, 2 bases deleted (AA; older notation c.1546_1547delAA).
Protein change: p.Asp515_Asn516insTer.
Molecular consequence: nonsense. On other transcripts: intron variant (1).
Genome position (GRCh38, 1-based): chr9:36,222,863-36,222,864, TT deleted on the plus strand (AA on the coding strand, the reverse complement: GNE is on the minus strand). VCF-style (leftmost placement, unchanged base first): chr9-36222862-ATT-A. GRCh37 (hg19) VCF-style: chr9-36222859-ATT-A.
Other names: c.1639_1640del, p.Asp546_Asn547insTer (NM_001128227.3); c.1216_1217del, p.Asp405_Asn406insTer (NM_001190384.3); c.1369_1370del, p.Asp456_Asn457insTer (NM_001190388.2, NM_001374798.1); c.1393_1394del, p.Asp464_Asn465insTer (NM_001374797.1); c.1411+509_1411+510del (NM_001190383.3).
Identifiers: ClinVar variation 847245 (VCV000847245.9), dbSNP rs1828665576, ClinGen allele CA916083046.

ClinVar aggregate classification (germline): Pathogenic (1 of 4 stars; one submission).

Conditions:
Sialuria. Also called: SIALURIA, FRENCH TYPE; Sialic Acid Storage Disease. Identifiers: Orphanet 3166, MedGen C0342853, MONDO:0010028, OMIM 269921.
GNE myopathy (NM). Also called: IBM 2; Inclusion body myopathy autosomal recessive; Inclusion body myopathy quadriceps sparing; NONAKA DISTAL MYOPATHY; INCLUSION BODY MYOPATHY, HEREDITARY, AUTOSOMAL RECESSIVE; INCLUSION BODY MYOPATHY 2, AUTOSOMAL RECESSIVE. Identifiers: Orphanet 602, MedGen C1853926, MONDO:0011603, OMIM 605820.

Allele frequency attached by ClinVar (database versions not stated): gnomAD exomes below 0.00001.

Submission:

Labcorp Genetics (formerly Invitae), Labcorp
Classification: Pathogenic for Sialuria; GNE myopathy. Last evaluated: 2019-06-14. Review status: criteria provided, single submitter. Criteria: Invitae Variant Classification Sherloc (09022015). Collection method: clinical testing. Allele origin: germline.
Comment: Loss-of-function variants in GNE are known to be pathogenic (PMID: 24027297). For these reasons, this variant has been classified as Pathogenic. This variant is not present in population databases (ExAC no frequency). This sequence change creates a premature translational stop signal (p.Asn547*) in the GNE gene. It is expected to result in an absent or disrupted protein product.

Literature cited by the submitters: PubMed 24027297.